The following is an entry in ClinVar:

ClinVar aggregate classification (germline): Uncertain significance (1 of 4 stars; one submission).

Submission:

Labcorp Genetics (formerly Invitae), Labcorp
Classification: Uncertain significance. Last evaluated: 2022-03-26. Review status: criteria provided, single submitter. Criteria: Invitae Variant Classification Sherloc (09022015). Collection method: clinical testing. Allele origin: germline.
Comment: This sequence change falls in intron 58 of the COL11A2 gene. It does not directly change the encoded amino acid sequence of the COL11A2 protein. It affects a nucleotide within the consensus splice site. This variant is not present in population databases (gnomAD no frequency). This variant has not been reported in the literature in individuals affected with COL11A2-related conditions. Variants that disrupt the consensus splice site are a relatively common cause of aberrant splicing (PMID: 17576681, 9536098). Algorithms developed to predict the effect of sequence changes on RNA splicing suggest that this variant is not likely to affect RNA splicing. In summary, the available evidence is currently insufficient to determine the role of this variant in disease. Therefore, it has been classified as a Variant of Uncertain Significance.

Literature cited by the submitters: PubMed 17576681; PubMed 9536098.

NM_080680.3(COL11A2):c.4230+3G>C

Gene: COL11A2 (collagen type XI alpha 2 chain; minus strand). Cytogenetic location: 6p21.32.
Variant type: single nucleotide variant.
Coding change: c.4230+3G>C on transcript NM_080680.3 (MANE Select); 3 bases into the intron after coding-DNA position 4230, G replaced by C.
Molecular consequence: intron variant.
Genome position (GRCh38, 1-based): chr6:33,167,067, C>G on the plus strand (G>C on the coding strand, the complement: COL11A2 is on the minus strand). VCF-style: chr6-33167067-C-G. GRCh37 (hg19) VCF-style: chr6-33134844-C-G.
Other names: c.3909+3G>C (NM_080679.3); c.3972+3G>C (NM_080681.3).
Identifiers: ClinVar variation 2192993 (VCV002192993.1), dbSNP rs2150523743, ClinGen allele CA2580074369.